The following is an entry in ClinVar:

NC_000005.9:g.(?_177027132)_(177037332_?)del

Gene: B4GALT7 (beta-1,4-galactosyltransferase 7; plus strand). Cytogenetic location: 5q35.3.
Variant type: Deletion.
Identifiers: ClinVar variation 4887669 (VCV004887669.1).

ClinVar aggregate classification (germline): Pathogenic (1 of 4 stars; one submission).

Conditions:
Spondylodysplastic Ehlers-Danlos syndrome. Identifiers: Orphanet 536471, Orphanet 75496, MedGen C5680154, MONDO:0007526.

Submission:

Women's Health and Genetics/Laboratory Corporation of America, LabCorp
Classification: Pathogenic for Spondylodysplastic Ehlers-Danlos syndrome. Last evaluated: 2026-06-26. Review status: criteria provided, single submitter. Criteria: LabCorp Variant Classification Summary - May 2015. Collection method: clinical testing. Allele origin: germline.
Comment: Variant summary: The variant involves the deletion of exons 1-6 in the B4GALT7 gene. A presumed nomenclature of c.(?_-80)_(*636_?)del has been designated for the purposes of this classification. This deletion includes the entire coding sequence of the gene. As the exact proximal and distal breakpoints are unknown, it may extend beyond the annotated region of the gene to include other flanking genes. Loss-of-function variants in this gene are known to be pathogenic. The variant was absent in 21688 control chromosomes. To our knowledge, no occurrence of c.(?_-80)_(*636_?)del in individuals affected with B4GALT7-related conditions and no experimental evidence demonstrating its impact on protein function have been reported. No submitters have cited clinical-significance assessments for this variant to ClinVar. Based on the evidence outlined above, the variant was classified as pathogenic.